The following is an entry in ClinVar:

ClinVar aggregate classification (germline): Uncertain significance. Review status: criteria provided, multiple submitters, no conflicts (2 of 4 stars). 3 submissions from 3 submitters: Uncertain significance (3). Last evaluated 2024-10-15.

Conditions:
Inborn genetic diseases. Identifiers: MedGen C0950123, MeSH D030342.

Allele frequency attached by ClinVar (database versions not stated): gnomAD exomes below 0.00001 and 0.00002; TOPMed 0.00001; gnomAD 0.00002.
gnomAD v4.1: 24 of 1,579,564 alleles (0.0015%); highest among the groups gnomAD compares: Non-Finnish European, 0.002%; no homozygotes.

Submissions (3):

Labcorp Genetics (formerly Invitae), Labcorp
Classification: Uncertain significance. Last evaluated: 2024-10-15. Review status: criteria provided, single submitter. Criteria: Invitae Variant Classification Sherloc (09022015). Collection method: clinical testing. Allele origin: germline.
Comment: This sequence change replaces glutamic acid, which is acidic and polar, with lysine, which is basic and polar, at codon 335 of the PNPT1 protein (p.Glu335Lys). This variant is present in population databases (no rsID available, gnomAD 0.003%). This variant has not been reported in the literature in individuals affected with PNPT1-related conditions. ClinVar contains an entry for this variant (Variation ID: 1400861). Invitae Evidence Modeling of protein sequence and biophysical properties (such as structural, functional, and spatial information, amino acid conservation, physicochemical variation, residue mobility, and thermodynamic stability) indicates that this missense variant is not expected to disrupt PNPT1 protein function with a negative predictive value of 80%. In summary, the available evidence is currently insufficient to determine the role of this variant in disease. Therefore, it has been classified as a Variant of Uncertain Significance.

Ambry Genetics
Classification: Uncertain significance for Inborn genetic diseases. Last evaluated: 2024-09-04. Review status: criteria provided, single submitter. Criteria: Ambry Variant Classification Scheme 2023. Collection method: clinical testing. Allele origin: germline.

GeneDx
Classification: Uncertain significance. Last evaluated: 2024-09-03. Review status: criteria provided, single submitter. Criteria: GeneDx Variant Classification Process June 2021. Collection method: clinical testing. Allele origin: germline. Affected: yes.
Comment: Not observed at significant frequency in large population cohorts (gnomAD); In silico analysis indicates that this missense variant does not alter protein structure/function; Has not been previously published as pathogenic or benign to our knowledge

NM_033109.5(PNPT1):c.1003G>A (p.Glu335Lys)

Gene: PNPT1 (polyribonucleotide nucleotidyltransferase 1; minus strand). Cytogenetic location: 2p16.1.
Variant type: single nucleotide variant.
Coding change: c.1003G>A on transcript NM_033109.5 (MANE Select); coding-DNA position 1003, G replaced by A.
Protein change: p.Glu335Lys; replaces glutamic acid 335 with lysine.
Molecular consequence: missense variant.
Genome position (GRCh38, 1-based): chr2:55,667,932, C>T on the plus strand (G>A on the coding strand, the complement: PNPT1 is on the minus strand). VCF-style: chr2-55667932-C-T. GRCh37 (hg19) VCF-style: chr2-55895067-C-T.
Other names: c.1003G>A (NM_033109.3, NM_033109.4); short protein forms E335K.
Identifiers: ClinVar variation 1400861 (VCV001400861.6), dbSNP rs1341359718, ClinGen allele CA346929433.